The following is an entry in ClinVar:

NM_000187.4(HGD):c.58C>T (p.Arg20Cys)

Gene: HGD (homogentisate 1,2-dioxygenase; minus strand). Cytogenetic location: 3q13.33.
Variant type: single nucleotide variant.
Coding change: c.58C>T on transcript NM_000187.4 (MANE Select); coding-DNA position 58, C replaced by T.
Protein change: p.Arg20Cys; replaces arginine 20 with cysteine.
Molecular consequence: missense variant.
Genome position (GRCh38, 1-based): chr3:120,675,821, G>A on the plus strand (C>T on the coding strand, the complement: HGD is on the minus strand). VCF-style: chr3-120675821-G-A. GRCh37 (hg19) VCF-style: chr3-120394668-G-A.
Other names: c.58C>T (NM_000187.3); short protein forms R20C.
Identifiers: ClinVar variation 1445821 (VCV001445821.4), dbSNP rs755454185, ClinGen allele CA2560381.

ClinVar aggregate classification (germline): Uncertain significance. Review status: criteria provided, multiple submitters, no conflicts (2 of 4 stars). 2 submissions from 2 submitters: Uncertain significance (2). Last evaluated 2025-01-28.

Conditions:
Inborn genetic diseases. Identifiers: MedGen C0950123, MeSH D030342.
Alkaptonuria (AKU). Also called: HOMOGENTISIC ACID OXIDASE DEFICIENCY; Alkaptonuric ochronosis; Alcaptonuria; Homogentisic acidura. Identifiers: Orphanet 56, MedGen C0002066, MONDO:0008753, OMIM 203500.

Allele frequency attached by ClinVar (database versions not stated): ExAC 0.00001; gnomAD exomes 0.00001; TOPMed 0.00001; gnomAD 0.00002.
gnomAD v4.1: 16 of 1,613,492 alleles (0.00099%); highest among the groups gnomAD compares: East Asian, 0.0022%; no homozygotes.

Submissions (2):

Ambry Genetics
Classification: Uncertain significance for Inborn genetic diseases. Last evaluated: 2025-01-28. Review status: criteria provided, single submitter. Criteria: Ambry Variant Classification Scheme 2023. Collection method: clinical testing. Allele origin: germline.

Labcorp Genetics (formerly Invitae), Labcorp
Classification: Uncertain significance for Alkaptonuria. Last evaluated: 2021-12-03. Review status: criteria provided, single submitter. Criteria: Invitae Variant Classification Sherloc (09022015). Collection method: clinical testing. Allele origin: germline.
Comment: This sequence change replaces arginine, which is basic and polar, with cysteine, which is neutral and slightly polar, at codon 20 of the HGD protein (p.Arg20Cys). This variant is present in population databases (rs755454185, gnomAD 0.005%). This missense change has been observed in individual(s) with alkaptonuria (Invitae). Algorithms developed to predict the effect of missense changes on protein structure and function are either unavailable or do not agree on the potential impact of this missense change (SIFT: "Deleterious"; PolyPhen-2: "Benign"; Align-GVGD: "Class C65"). In summary, the available evidence is currently insufficient to determine the role of this variant in disease. Therefore, it has been classified as a Variant of Uncertain Significance.